The following is an entry in ClinVar:

ClinVar aggregate classification (germline): Uncertain significance (1 of 4 stars; one submission).

Allele frequency attached by ClinVar (database versions not stated): gnomAD exomes below 0.00001 and 0.00001; ExAC 0.00002; gnomAD 0.00003; TOPMed 0.00005; ESP Exome Variant Server 0.00015; 1000 Genomes Project 0.00020; 1000 Genomes Project 30x 0.00047.
gnomAD v4.1: 9 of 1,613,976 alleles (0.00056%); highest among the groups gnomAD compares: African/African-American, 0.0053%; no homozygotes.

Submission:

Labcorp Genetics (formerly Invitae), Labcorp
Classification: Uncertain significance. Last evaluated: 2025-08-18. Review status: criteria provided, single submitter. Criteria: Invitae Variant Classification Sherloc (09022015). Collection method: clinical testing. Allele origin: germline.
Comment: This sequence change replaces alanine, which is neutral and non-polar, with threonine, which is neutral and polar, at codon 64 of the ARMC9 protein (p.Ala64Thr). This variant is present in population databases (rs144388331, gnomAD 0.01%). This variant has not been reported in the literature in individuals affected with ARMC9-related conditions. ClinVar contains an entry for this variant (Variation ID: 1346966). Experimental studies and prediction algorithms are not available or were not evaluated, and the functional significance of this variant is currently unknown. In summary, the available evidence is currently insufficient to determine the role of this variant in disease. Therefore, it has been classified as a Variant of Uncertain Significance.

NM_001352754.2(ARMC9):c.190G>A (p.Ala64Thr)

Gene: ARMC9 (armadillo repeat containing 9; plus strand). Cytogenetic location: 2q37.1.
Variant type: single nucleotide variant.
Coding change: c.190G>A on transcript NM_001352754.2 (MANE Select); coding-DNA position 190, G replaced by A.
Protein change: p.Ala64Thr; replaces alanine 64 with threonine.
Molecular consequence: missense variant. On other transcripts: non-coding transcript variant (1).
Genome position (GRCh38, 1-based): chr2:231,214,843, G>A. VCF-style: chr2-231214843-G-A. GRCh37 (hg19) VCF-style: chr2-232079556-G-A.
Other names: c.190G>A, p.Ala64Thr (NM_001271466.4, NM_001291656.2, NM_001352755.2 and 5 more transcripts); short protein forms A64T.
Identifiers: ClinVar variation 1346966 (VCV001346966.5), dbSNP rs144388331, ClinGen allele CA2159872.
Genomic context (GRCh38, chr2:231,214,843, plus strand): 5'-GGTGTTGAAATTTACAACGAGGTATGTAGTCTGATGTCTTCTCCACAGAAGGATCTTGTC[G>A]CTGCATTTGACAACGGAGACCAGAAGGTGTTCTTCGATCTGTGGGAGGAGCACATTTCAA-3'
Protein context (NP_001339683.2, residues 54-74): KSLTIQKDLV[Ala64Thr]AFDNGDQKVF